The following is an entry in ClinVar:

NM_018245.3(OGDHL):c.2140+1G>A

Gene: OGDHL (oxoglutarate dehydrogenase L; minus strand). Cytogenetic location: 10q11.23.
Variant type: single nucleotide variant.
Coding change: c.2140+1G>A on transcript NM_018245.3 (MANE Select); the canonical splice donor site of the intron after coding-DNA position 2140, G replaced by A.
Molecular consequence: splice donor variant.
Genome position (GRCh38, 1-based): chr10:49,740,709, C>T on the plus strand (G>A on the coding strand, the complement: OGDHL is on the minus strand). VCF-style: chr10-49740709-C-T. GRCh37 (hg19) VCF-style: chr10-50948755-C-T.
Other names: c.1513+1G>A (NM_001347822.1, NM_001143997.2, NM_001347821.2); c.1969+1G>A (NM_001347820.1, NM_001143996.2); c.943+1G>A (NM_001347826.1); c.1960+1G>A (NM_001347823.1, NM_001347824.2); c.1333+1G>A (NM_001347825.2); c.2140+1G>A (NM_001347819.1).
Identifiers: ClinVar variation 2503805 (VCV002503805.1), dbSNP rs1841583771, ClinGen allele CA376742484.
Genomic context (GRCh38, chr10:49,740,709, plus strand): 5'-GCCCATCTCTTGTCCCCAGGTGTCTGGGGCCTGCCTGGCCTGCAGGAGAGCGTGGACCCA[C>T]CCAGGACTCCGTACTCCGAGAGGGAGCTGTTGCACACGGTGTACGGGGCCTGGTCAGGCC-3'

ClinVar aggregate classification (germline): Likely pathogenic (1 of 4 stars; one submission).

Conditions:
Yoon-Bellen neurodevelopmental syndrome (YOBELN). Identifiers: MedGen C5562066, MONDO:0859221, OMIM 619701.

Submission:

Women's Health and Genetics/Laboratory Corporation of America, LabCorp
Classification: Likely pathogenic for Yoon-Bellen neurodevelopmental syndrome. Last evaluated: 2023-04-24. Review status: criteria provided, single submitter. Criteria: LabCorp Variant Classification Summary - May 2015. Collection method: clinical testing. Allele origin: germline.
Comment: Variant summary: OGDHL c.2140+1G>A is located in a canonical splice-site and is predicted to affect mRNA splicing resulting in a significantly altered protein due to either exon skipping, shortening, or inclusion of intronic material. Several computational tools predict a significant impact on normal splicing: Four predict the variant abolishes a canonical 5' splicing donor site. However, these predictions have yet to be confirmed by functional studies. The variant was absent in 249252 control chromosomes (gnomAD). To our knowledge, no occurrence of c.2140+1G>A in individuals affected with Yoon-Bellen Neurodevelopmental Syndrome and no experimental evidence demonstrating its impact on protein function have been reported. No clinical diagnostic laboratories have submitted clinical-significance assessments for this variant to ClinVar after 2014. Based on the evidence outlined above, the variant was classified as likely pathogenic.